The following is an entry in ClinVar:

ClinVar aggregate classification (germline): Uncertain significance (1 of 4 stars; one submission).

gnomAD v4.1: 23 of 1,614,134 alleles (0.0014%); highest among the groups gnomAD compares: East Asian, 0.0022%; no homozygotes.

Submission:

Labcorp Genetics (formerly Invitae), Labcorp
Classification: Uncertain significance. Last evaluated: 2025-04-06. Review status: criteria provided, single submitter. Criteria: Invitae Variant Classification Sherloc (09022015). Collection method: clinical testing. Allele origin: germline.
Comment: This sequence change replaces arginine, which is basic and polar, with cysteine, which is neutral and slightly polar, at codon 4889 of the RNF213 protein (p.Arg4889Cys). This variant is present in population databases (rs776579145, gnomAD 0.004%). This variant has not been reported in the literature in individuals affected with RNF213-related conditions. Invitae Evidence Modeling of protein sequence and biophysical properties (such as structural, functional, and spatial information, amino acid conservation, physicochemical variation, residue mobility, and thermodynamic stability) indicates that this missense variant is not expected to disrupt RNF213 protein function with a negative predictive value of 95%. In summary, the available evidence is currently insufficient to determine the role of this variant in disease. Therefore, it has been classified as a Variant of Uncertain Significance.

NM_001256071.3(RNF213):c.14665C>T (p.Arg4889Cys)

Genes: RNF213 (ring finger protein 213; plus strand), RNF213-AS1 (RNF213 antisense RNA 1; minus strand), LOC126862664 (CDK7 strongly-dependent group 2 enhancer GRCh37_chr17:78359110-78360309; plus strand). Cytogenetic location: 17q25.3.
Variant type: single nucleotide variant.
Coding change: c.14665C>T on transcript NM_001256071.3 (MANE Select); coding-DNA position 14665, C replaced by T.
Protein change: p.Arg4889Cys; replaces arginine 4889 with cysteine.
Molecular consequence: missense variant.
Genome position (GRCh38, 1-based): chr17:80,386,375, C>T. VCF-style: chr17-80386375-C-T. GRCh37 (hg19) VCF-style: chr17-78360175-C-T.
Other names: c.14812C>T, p.Arg4938Cys (NM_001410195.1, NM_020914.5); short protein forms R4938C, R4889C.
Identifiers: ClinVar variation 4753007 (VCV004753007.1).